The following is an entry in ClinVar:

NM_006785.4(MALT1):c.1975G>T (p.Val659Leu)

Gene: MALT1 (MALT1 paracaspase; plus strand). Cytogenetic location: 18q21.32.
Variant type: single nucleotide variant.
Coding change: c.1975G>T on transcript NM_006785.4 (MANE Select); coding-DNA position 1975, G replaced by T.
Protein change: p.Val659Leu; replaces valine 659 with leucine.
Molecular consequence: missense variant.
Genome position (GRCh38, 1-based): chr18:58,745,729, G>T. VCF-style: chr18-58745729-G-T. GRCh37 (hg19) VCF-style: chr18-56412961-G-T.
Other names: c.1942G>T, p.Val648Leu (NM_173844.3); short protein forms V648L, V659L.
Identifiers: ClinVar variation 862555 (VCV000862555.9), dbSNP rs2055357208, ClinGen allele CA402576228.

ClinVar aggregate classification (germline): Uncertain significance (1 of 4 stars; one submission).

Conditions:
Combined immunodeficiency due to MALT1 deficiency. Also called: Immunodeficiency 12. Identifiers: Orphanet 397964, MedGen C3809583, MONDO:0014197, OMIM 615468.

Submission:

Labcorp Genetics (formerly Invitae), Labcorp
Classification: Uncertain significance for Combined immunodeficiency due to MALT1 deficiency. Last evaluated: 2019-12-01. Review status: criteria provided, single submitter. Criteria: Invitae Variant Classification Sherloc (09022015). Collection method: clinical testing. Allele origin: germline.
Comment: In summary, the available evidence is currently insufficient to determine the role of this variant in disease. Therefore, it has been classified as a Variant of Uncertain Significance. Algorithms developed to predict the effect of missense changes on protein structure and function (SIFT, PolyPhen-2, Align-GVGD) all suggest that this variant is likely to be tolerated, but these predictions have not been confirmed by published functional studies and their clinical significance is uncertain. This variant has not been reported in the literature in individuals with MALT1-related conditions. This variant is not present in population databases (ExAC no frequency). This sequence change replaces valine with leucine at codon 659 of the MALT1 protein (p.Val659Leu). The valine residue is highly conserved and there is a small physicochemical difference between valine and leucine.